The following is an entry in ClinVar:

ClinVar aggregate classification (germline): Uncertain significance. Review status: criteria provided, multiple submitters, no conflicts (2 of 4 stars). 2 submissions from 2 submitters: Uncertain significance (2). Last evaluated 2024-08-31.

Conditions:
Dilated cardiomyopathy 1G (CMD1G). Identifiers: Orphanet 154, MedGen C1858763, MONDO:0011400, OMIM 604145.
Autosomal recessive limb-girdle muscular dystrophy type 2J (LGMDR10). Also called: Limb-girdle muscular dystrophy, type 2J; MUSCULAR DYSTROPHY, LIMB-GIRDLE, AUTOSOMAL RECESSIVE 10. Identifiers: Orphanet 140922, MedGen C1837342, MONDO:0012127, OMIM 608807.

Submissions (2):

Labcorp Genetics (formerly Invitae), Labcorp
Classification: Uncertain significance for Dilated cardiomyopathy 1G; Autosomal recessive limb-girdle muscular dystrophy type 2J. Last evaluated: 2024-08-31. Review status: criteria provided, single submitter. Criteria: Invitae Variant Classification Sherloc (09022015). Collection method: clinical testing. Allele origin: germline.
Comment: This sequence change replaces arginine, which is basic and polar, with lysine, which is basic and polar, at codon 34901 of the TTN protein (p.Arg34901Lys). This variant is not present in population databases (gnomAD no frequency). This variant has not been reported in the literature in individuals affected with TTN-related conditions. ClinVar contains an entry for this variant (Variation ID: 1046701). Experimental studies and prediction algorithms are not available or were not evaluated, and the functional significance of this variant is currently unknown. This variant is located in the M band of TTN (PMID: 25589632). Non-truncating variants in this region may be relevant for neuromuscular disorders, but have not been definitively shown to cause cardiomyopathy (PMID: 23975875). In summary, the available evidence is currently insufficient to determine the role of this variant in disease. Therefore, it has been classified as a Variant of Uncertain Significance.

Revvity Omics, Revvity
Classification: Uncertain significance. Last evaluated: 2020-06-30. Review status: criteria provided, single submitter. Criteria: ACMG Guidelines, 2015. Collection method: clinical testing. Allele origin: germline.

Literature cited by the submitters: PubMed 25589632 (cited by Labcorp Genetics (formerly Invitae), Labcorp); PubMed 23975875 (cited by Labcorp Genetics (formerly Invitae), Labcorp).

NM_001267550.2(TTN):c.104702G>A (p.Arg34901Lys)

Genes: TTN (titin; minus strand), TTN-AS1 (TTN antisense RNA 1; plus strand). Cytogenetic location: 2q31.2.
Variant type: single nucleotide variant.
Coding change: c.104702G>A on transcript NM_001267550.2 (MANE Select); coding-DNA position 104702, G replaced by A.
Protein change: p.Arg34901Lys; replaces arginine 34901 with lysine.
Molecular consequence: missense variant.
Genome position (GRCh38, 1-based): chr2:178,531,913, C>T on the plus strand (G>A on the coding strand, the complement: TTN is on the minus strand). VCF-style: chr2-178531913-C-T. GRCh37 (hg19) VCF-style: chr2-179396640-C-T.
Other names: c.99779G>A, p.Arg33260Lys (NM_001256850.1); c.77507G>A, p.Arg25836Lys (NM_003319.4); c.96998G>A, p.Arg32333Lys (NM_133378.4); c.77882G>A, p.Arg25961Lys (NM_133432.3); c.78083G>A, p.Arg26028Lys (NM_133437.4); short protein forms R25836K, R26028K, R25961K, R33260K, R34901K, R32333K.
Identifiers: ClinVar variation 1046701 (VCV001046701.10), dbSNP rs1689282112, ClinGen allele CA349411113.